The following is an entry in ClinVar:

ClinVar aggregate classification (germline): Conflicting classifications of pathogenicity. Review status: criteria provided, conflicting classifications (1 of 4 stars). 3 submissions from 3 submitters: Uncertain significance (2); Likely benign (1). Last evaluated 2024-11-16.

Conditions:
Hereditary cancer-predisposing syndrome. Also called: Neoplastic Syndromes, Hereditary; Tumor predisposition; Hereditary Cancer Syndrome; Hereditary neoplastic syndrome. Identifiers: Orphanet 140162, MedGen C0027672, MeSH D009386, MONDO:0015356.
Intellectual disability, autosomal dominant 16 (CSS4). Also called: COFFIN-SIRIS SYNDROME 4. Identifiers: Orphanet 1465, MedGen C3553249, MONDO:0013821, OMIM 614609.
Rhabdoid tumor predisposition syndrome 2 (RTPS2). Identifiers: Orphanet 231108, Orphanet 69077, MedGen C2750074, MONDO:0013224, OMIM 613325.

Allele frequency attached by ClinVar (database versions not stated): gnomAD 0.00001; TOPMed 0.00001.
gnomAD v4.1: 1 of 1,613,772 alleles (0.000062%); highest among the groups gnomAD compares: Non-Finnish European, 0.000085%; no homozygotes.

Submissions (3):

Ambry Genetics
Classification: Likely benign for Hereditary cancer-predisposing syndrome. Last evaluated: 2024-11-16. Review status: criteria provided, single submitter. Criteria: Ambry Variant Classification Scheme 2023. Collection method: clinical testing. Allele origin: germline.

Labcorp Genetics (formerly Invitae), Labcorp
Classification: Uncertain significance for Rhabdoid tumor predisposition syndrome 2. Last evaluated: 2024-04-02. Review status: criteria provided, single submitter. Criteria: Invitae Variant Classification Sherloc (09022015). Collection method: clinical testing. Allele origin: germline.
Comment: This sequence change replaces glutamine, which is neutral and polar, with arginine, which is basic and polar, at codon 115 of the SMARCA4 protein (p.Gln115Arg). This variant is present in population databases (no rsID available, gnomAD 0.007%). This variant has not been reported in the literature in individuals affected with SMARCA4-related conditions. ClinVar contains an entry for this variant (Variation ID: 484897). Advanced modeling of protein sequence and biophysical properties (such as structural, functional, and spatial information, amino acid conservation, physicochemical variation, residue mobility, and thermodynamic stability) has been performed at Invitae for this missense variant, however the output from this modeling did not meet the statistical confidence thresholds required to predict the impact of this variant on SMARCA4 protein function. In summary, the available evidence is currently insufficient to determine the role of this variant in disease. Therefore, it has been classified as a Variant of Uncertain Significance.

Genome-Nilou Lab
Classification: Uncertain significance for Intellectual disability, autosomal dominant 16. Last evaluated: 2021-07-15. Review status: criteria provided, single submitter. Criteria: ACMG Guidelines, 2015. Collection method: clinical testing. Allele origin: germline. Affected: no.

NM_003072.5(SMARCA4):c.344A>G (p.Gln115Arg)

Gene: SMARCA4 (SWI/SNF related BAF chromatin remodeling complex subunit ATPase 4; plus strand). Cytogenetic location: 19p13.2.
Variant type: single nucleotide variant.
Coding change: c.344A>G on transcript NM_003072.5 (MANE Select); coding-DNA position 344, A replaced by G.
Protein change: p.Gln115Arg; replaces glutamine 115 with arginine.
Molecular consequence: missense variant. On other transcripts: non-coding transcript variant (1).
Genome position (GRCh38, 1-based): chr19:10,985,394, A>G. VCF-style: chr19-10985394-A-G. GRCh37 (hg19) VCF-style: chr19-11096070-A-G.
Other names: c.344A>G, p.Gln115Arg (NM_001128844.3, NM_001128845.2, NM_001128846.2 and 5 more transcripts); short protein forms Q115R.
Identifiers: ClinVar variation 484897 (VCV000484897.18), dbSNP rs1268937748, ClinGen allele CA404055374.